The following is an entry in ClinVar:

ClinVar aggregate classification (germline): Uncertain significance (1 of 4 stars; one submission).

Conditions:
Hereditary breast ovarian cancer syndrome. Also called: Hereditary breast and ovarian cancer syndrome (HBOC); Breast and ovarian cancer; BRCA1- and BRCA2-Associated Hereditary Breast and Ovarian Cancer; Hereditary breast and ovarian cancer syndrome; Hereditary breast and ovarian cancer; Hereditary breast and/or ovarian cancer syndrome. Identifiers: Orphanet 145, MedGen C0677776, MeSH D061325, MONDO:0003582. Disease mechanism: loss of function.

Submission:

Labcorp Genetics (formerly Invitae), Labcorp
Classification: Uncertain significance for Hereditary breast ovarian cancer syndrome. Last evaluated: 2023-02-15. Review status: criteria provided, single submitter. Criteria: Invitae Variant Classification Sherloc (09022015). Collection method: clinical testing. Allele origin: germline.
Comment: This sequence change replaces serine, which is neutral and polar, with isoleucine, which is neutral and non-polar, at codon 1187 of the BRCA1 protein (p.Ser1187Ile). This variant is not present in population databases (gnomAD no frequency). This missense change has been observed in individual(s) with personal or family history of breast or ovarian cancer (PMID: 14722926). Advanced modeling of protein sequence and biophysical properties (such as structural, functional, and spatial information, amino acid conservation, physicochemical variation, residue mobility, and thermodynamic stability) performed at Invitae indicates that this missense variant is not expected to disrupt BRCA1 protein function. In summary, the available evidence is currently insufficient to determine the role of this variant in disease. Therefore, it has been classified as a Variant of Uncertain Significance.

Literature cited by the submitters: PubMed 14722926.

NM_007294.4(BRCA1):c.3560G>T (p.Ser1187Ile)

Genes: BRCA1 (BRCA1 DNA repair associated; minus strand), LOC126862571 (BRD4-independent group 4 enhancer GRCh37_chr17:41243136-41244335; plus strand). Cytogenetic location: 17q21.31.
Variant type: single nucleotide variant.
Coding change: c.3560G>T on transcript NM_007294.4 (MANE Select); coding-DNA position 3560, G replaced by T.
Protein change: p.Ser1187Ile; replaces serine 1187 with isoleucine.
Molecular consequence: missense variant. On other transcripts: intron variant (135).
Genome position (GRCh38, 1-based): chr17:43,091,971, C>A on the plus strand (G>T on the coding strand, the complement: BRCA1 is on the minus strand). VCF-style: chr17-43091971-C-A. GRCh37 (hg19) VCF-style: chr17-41243988-C-A.
Other names: c.3419G>T, p.Ser1140Ile (NM_007297.4, NM_001407692.1, NM_001407694.1 and 29 more transcripts); c.3560G>T, p.Ser1187Ile (NM_001407859.1, NM_007300.4, NM_001407581.1 and 30 more transcripts); c.3557G>T, p.Ser1186Ile (NM_001407860.1, NM_001407861.1, NM_001407587.1 and 22 more transcripts); c.647-939G>T (NM_001408458.1, NM_001408461.1, NM_001408469.1 and 11 more transcripts); c.284-939G>T (NM_001408512.1); c.3359G>T, p.Ser1120Ile (NM_001407862.1); c.407-939G>T (NM_001408510.1); c.644-939G>T (NM_001408470.1, NM_001408464.1, NM_001408468.1 and 3 more transcripts); and 41 more; short protein forms S1076I, S1146I, S1161I, S1184I, S1187I, S319I, S1019I, S1075I.
Identifiers: ClinVar variation 2837646 (VCV002837646.3), dbSNP rs80356975, ClinGen allele CA10594844.
Genomic context (GRCh38, chr17:43,091,971, plus strand): 5'-TTGGCCCCTCTTCGGTAACCCTGAGCCAAATGTGTATGGGTGAAAGGGCTAGGACTCCTG[C>A]TAAGCTCTCCTTTCTGGACGCTTTTGCTAAAAACAGCAGAACTTTCCTTAATGTCATTTT-3'
Protein context (NP_009225.1, residues 1177-1197): FSKSVQKGEL[Ser1187Ile]RSPSPFTHTH